The following is an entry in ClinVar:

NM_001141980.3(TP53BP1):c.5746+21A>T

Genes: TP53BP1 (tumor protein p53 binding protein 1; minus strand), TUBGCP4 (tubulin gamma complex component 4; plus strand). Cytogenetic location: 15q15.3.
Variant type: single nucleotide variant.
Coding change: c.5746+21A>T on transcript NM_001141980.3 (MANE Select); 21 bases into the intron after coding-DNA position 5746, A replaced by T.
Molecular consequence: intron variant. On other transcripts: 3 prime UTR variant (2).
Genome position (GRCh38, 1-based): chr15:43,407,922, T>A on the plus strand (A>T on the coding strand, the complement: TP53BP1 is on the minus strand). VCF-style: chr15-43407922-T-A. GRCh37 (hg19) VCF-style: chr15-43700120-T-A.
Other names: c.*2708T>A (NM_001286414.3, NM_014444.5); c.5731+21A>T (NM_005657.4); c.5596+21A>T (NM_001411050.1); c.5740+21A>T (NM_001141979.3); c.2866+21A>T (NM_001355001.2).
Identifiers: ClinVar variation 5040898 (VCV005040898.1).

ClinVar aggregate classification (germline): Likely benign (1 of 4 stars; one submission).

gnomAD v4.1: 1,022 of 1,605,152 alleles (0.064%); highest among the groups gnomAD compares: African/African-American, 1.2%; 8 homozygotes.

Submission:

CeGaT Center for Human Genetics Tuebingen
Classification: Likely benign. Last evaluated: 2026-09-01. Review status: criteria provided, single submitter. Criteria: CeGaT Center For Human Genetics Tuebingen Variant Classification Criteria Version 2. Collection method: clinical testing. Allele origin: germline. Affected: yes. Observed: 1 variant allele.
Comment: TUBGCP4: BS1; TP53BP1: BS1